The following is an entry in ClinVar:

ClinVar aggregate classification (germline): Uncertain significance (1 of 4 stars; one submission).

Submission:

GeneDx
Classification: Uncertain significance. Last evaluated: 2023-11-18. Review status: criteria provided, single submitter. Criteria: GeneDx Variant Classification Process June 2021. Collection method: clinical testing. Allele origin: germline. Affected: yes.
Comment: Not observed at significant frequency in large population cohorts (gnomAD); In silico analysis supports that this missense variant has a deleterious effect on protein structure/function; Has not been previously published as pathogenic or benign to our knowledge

NM_138576.4(BCL11B):c.739C>T (p.Arg247Cys)

Gene: BCL11B (BCL11 transcription factor B; minus strand). Cytogenetic location: 14q32.2.
Variant type: single nucleotide variant.
Coding change: c.739C>T on transcript NM_138576.4 (MANE Select); coding-DNA position 739, C replaced by T.
Protein change: p.Arg247Cys; replaces arginine 247 with cysteine.
Molecular consequence: missense variant.
Genome position (GRCh38, 1-based): chr14:99,176,097, G>A on the plus strand (C>T on the coding strand, the complement: BCL11B is on the minus strand). VCF-style: chr14-99176097-G-A. GRCh37 (hg19) VCF-style: chr14-99642434-G-A.
Other names: c.736C>T, p.Arg246Cys (NM_001282237.2); c.523C>T, p.Arg175Cys (NM_001282238.2); c.526C>T, p.Arg176Cys (NM_022898.3); short protein forms R175C, R176C, R246C, R247C.
Identifiers: ClinVar variation 3364639 (VCV003364639.1).
Genomic context (GRCh38, chr14:99,176,097, plus strand): 5'-GCGGGATGGTGAGCCGCGGCGTGAGCGAGCTGCTGGCCGGCCCGGGCTCCAGGTAGATGC[G>A]GAAGCCGTGCGTGTTCTGCGCGTGCTGCAGCAGGAACCACGCGCTGTTGAAGGGCTGCTT-3'
Protein context (NP_612808.1, residues 237-257): LQHAQNTHGF[Arg247Cys]IYLEPGPASS